The following is an entry in ClinVar:

NM_020975.6(RET):c.3223G>A (p.Val1075Ile)

Gene: RET (ret proto-oncogene; plus strand). Cytogenetic location: 10q11.21.
Variant type: single nucleotide variant.
Coding change: c.3223G>A on transcript NM_020975.6 (MANE Select); coding-DNA position 3223, G replaced by A.
Protein change: p.Val1075Ile; replaces valine 1075 with isoleucine.
Molecular consequence: missense variant.
Genome position (GRCh38, 1-based): chr10:43,128,147, G>A. VCF-style: chr10-43128147-G-A. GRCh37 (hg19) VCF-style: chr10-43623595-G-A.
Other names: c.3223G>A, p.Val1075Ile (NM_000323.2, NM_001406743.1); c.*1393G>A (NM_001355216.2, NM_001406764.1, NM_001406765.1 and 15 more transcripts); c.3163G>A, p.Val1055Ile (NM_001406759.1, NM_001406760.1); c.3094G>A, p.Val1032Ile (NM_001406761.1, NM_001406762.1); c.3088G>A, p.Val1030Ile (NM_001406763.1); c.2935G>A, p.Val979Ile (NM_001406766.1, NM_001406767.1); c.2827G>A, p.Val943Ile (NM_001406769.1); c.2785G>A, p.Val929Ile (NM_001406771.1); and 7 more; short protein forms V572I, V733I, V1032I, V680I, V776I, V813I, V943I, V1030I.
Identifiers: ClinVar variation 1729105 (VCV001729105.5), dbSNP rs2133048144, ClinGen allele CA376558896.

ClinVar aggregate classification (germline): Uncertain significance. Review status: criteria provided, multiple submitters, no conflicts (2 of 4 stars). 2 submissions from 2 submitters: Uncertain significance (2). Last evaluated 2022-12-15.

Conditions:
Hereditary cancer-predisposing syndrome. Also called: Tumor predisposition; Neoplastic Syndromes, Hereditary; Hereditary Cancer Syndrome; Hereditary neoplastic syndrome. Identifiers: Orphanet 140162, MedGen C0027672, MeSH D009386, MONDO:0015356.
Multiple endocrine neoplasia, type 2 (MEN2). Identifiers: Orphanet 653, MedGen C4048306, MONDO:0019003. Disease mechanism: gain of function.

Submissions (2):

Labcorp Genetics (formerly Invitae), Labcorp
Classification: Uncertain significance for Multiple endocrine neoplasia, type 2. Last evaluated: 2022-12-15. Review status: criteria provided, single submitter. Criteria: Invitae Variant Classification Sherloc (09022015). Collection method: clinical testing. Allele origin: germline.
Comment: Algorithms developed to predict the effect of missense changes on protein structure and function are either unavailable or do not agree on the potential impact of this missense change (SIFT: "Deleterious"; PolyPhen-2: "Probably Damaging"; Align-GVGD: "Class C0"). This sequence change replaces valine, which is neutral and non-polar, with isoleucine, which is neutral and non-polar, at codon 1075 of the RET protein (p.Val1075Ile). This variant is not present in population databases (gnomAD no frequency). This variant has not been reported in the literature in individuals affected with RET-related conditions. ClinVar contains an entry for this variant (Variation ID: 1729105). In summary, the available evidence is currently insufficient to determine the role of this variant in disease. Therefore, it has been classified as a Variant of Uncertain Significance.

Ambry Genetics
Classification: Uncertain significance for Hereditary cancer-predisposing syndrome. Last evaluated: 2021-08-30. Review status: criteria provided, single submitter. Criteria: Ambry Variant Classification Scheme 2023. Collection method: clinical testing. Allele origin: germline.
Comment: The p.V1075I variant (also known as c.3223G>A), located in coding exon 20 of the RET gene, results from a G to A substitution at nucleotide position 3223. The valine at codon 1075 is replaced by isoleucine, an amino acid with highly similar properties. This amino acid position is highly conserved in available vertebrate species. In addition, the in silico prediction for this alteration is inconclusive. Since supporting evidence is limited at this time, the clinical significance of this alteration remains unclear.